The following is an entry in ClinVar:

NM_006231.4(POLE):c.4005+1G>T

Gene: POLE (DNA polymerase epsilon, catalytic subunit; minus strand). Cytogenetic location: 12q24.33.
Variant type: single nucleotide variant.
Coding change: c.4005+1G>T on transcript NM_006231.4 (MANE Select); the canonical splice donor site of the intron after coding-DNA position 4005, G replaced by T.
Molecular consequence: splice donor variant.
Genome position (GRCh38, 1-based): chr12:132,649,305, C>A on the plus strand (G>T on the coding strand, the complement: POLE is on the minus strand). VCF-style: chr12-132649305-C-A. GRCh37 (hg19) VCF-style: chr12-133225891-C-A.
Identifiers: ClinVar variation 2850551 (VCV002850551.3), dbSNP rs1210405923, ClinGen allele CA387384578.

ClinVar aggregate classification (germline): Likely pathogenic (1 of 4 stars; one submission).

Submission:

Labcorp Genetics (formerly Invitae), Labcorp
Classification: Likely pathogenic. Last evaluated: 2023-03-29. Review status: criteria provided, single submitter. Criteria: Invitae Variant Classification Sherloc (09022015). Collection method: clinical testing. Allele origin: germline.
Comment: This variant is not present in population databases (gnomAD no frequency). This variant has not been reported in the literature in individuals affected with POLE-related conditions. Algorithms developed to predict the effect of sequence changes on RNA splicing suggest that this variant may disrupt the consensus splice site. In summary, the currently available evidence indicates that the variant is pathogenic, but additional data are needed to prove that conclusively. Therefore, this variant has been classified as Likely Pathogenic. This sequence change affects a donor splice site in intron 31 of the POLE gene. It is expected to disrupt RNA splicing. Variants that disrupt the donor or acceptor splice site typically lead to a loss of protein function (PMID: 16199547), and loss-of-function variants in POLE are known to be pathogenic (PMID: 23230001, 25948378, 30503519).

Literature cited by the submitters: PubMed 16199547; PubMed 23230001; PubMed 25948378; PubMed 30503519.